The following is an entry in ClinVar:

ClinVar aggregate classification (germline): Uncertain significance (1 of 4 stars; one submission).

Allele frequency attached by ClinVar (database versions not stated): gnomAD exomes below 0.00001.

Submission:

Labcorp Genetics (formerly Invitae), Labcorp
Classification: Uncertain significance. Last evaluated: 2020-10-16. Review status: criteria provided, single submitter. Criteria: Invitae Variant Classification Sherloc (09022015). Collection method: clinical testing. Allele origin: germline.
Comment: In summary, the available evidence is currently insufficient to determine the role of this variant in disease. Therefore, it has been classified as a Variant of Uncertain Significance. Advanced modeling of protein sequence and biophysical properties (such as structural, functional, and spatial information, amino acid conservation, physicochemical variation, residue mobility, and thermodynamic stability) performed at Invitae indicates that this missense variant is not expected to disrupt FAT4 protein function. This variant has not been reported in the literature in individuals with FAT4-related conditions. This variant is not present in population databases (ExAC no frequency). This sequence change replaces serine with asparagine at codon 1056 of the FAT4 protein (p.Ser1056Asn). The serine residue is highly conserved and there is a small physicochemical difference between serine and asparagine.

NM_001291303.3(FAT4):c.3167G>A (p.Ser1056Asn)

Gene: FAT4 (FAT atypical cadherin 4; plus strand). Cytogenetic location: 4q28.1.
Variant type: single nucleotide variant.
Coding change: c.3167G>A on transcript NM_001291303.3 (MANE Select); coding-DNA position 3167, G replaced by A.
Protein change: p.Ser1056Asn; replaces serine 1056 with asparagine.
Molecular consequence: missense variant.
Genome position (GRCh38, 1-based): chr4:125,319,578, G>A. VCF-style: chr4-125319578-G-A. GRCh37 (hg19) VCF-style: chr4-126240733-G-A.
Other names: c.3167G>A, p.Ser1056Asn (NM_001291285.3, NM_024582.6); short protein forms S1056N.
Identifiers: ClinVar variation 1008925 (VCV001008925.3), dbSNP rs1390761515, ClinGen allele CA358121918.